The following is an entry in ClinVar:

ClinVar aggregate classification (germline): Likely benign (1 of 4 stars; one submission).

Allele frequency attached by ClinVar (database versions not stated): TOPMed 0.00001.

Submission:

GeneDx
Classification: Likely benign. Last evaluated: 2015-11-18. Review status: criteria provided, single submitter. Criteria: GeneDx Variant Classification (06012015). Collection method: clinical testing. Allele origin: germline. Affected: yes.
Comment: This variant is considered likely benign or benign based on one or more of the following criteria: it is a conservative change, it occurs at a poorly conserved position in the protein, it is predicted to be benign by multiple in silico algorithms, and/or has population frequency not consistent with disease.

NM_001134407.3(GRIN2A):c.1728T>C (p.Phe576=)

Gene: GRIN2A (glutamate ionotropic receptor NMDA type subunit 2A; minus strand). Cytogenetic location: 16p13.2.
Variant type: single nucleotide variant.
Coding change: c.1728T>C on transcript NM_001134407.3 (MANE Select); coding-DNA position 1728, T replaced by C.
Protein change: p.Phe576=; no amino-acid change (phenylalanine 576 retained).
Molecular consequence: synonymous variant.
Genome position (GRCh38, 1-based): chr16:9,834,154, A>G on the plus strand (T>C on the coding strand, the complement: GRIN2A is on the minus strand). VCF-style: chr16-9834154-A-G. GRCh37 (hg19) VCF-style: chr16-9928011-A-G.
Other names: c.1728T>C, p.Phe576= (NM_000833.5, NM_001134408.2).
Identifiers: ClinVar variation 381787 (VCV000381787.1), dbSNP rs540499505, ClinGen allele CA16607582.
Genomic context (GRCh38, chr16:9,834,154, plus strand): 5'-GGTACCCTTACCTTTCCCTTTGGCTAAGTTTCTGTTGTATCCAACAGGGCTGAAGTATTC[A>G]AAGACAAAAACAGCTATGGCAGAAACAATGAGCAGCATCACAAACATCATCACCCAGACA-3'
Protein context (NP_001127879.1, residues 566-586): LIVSAIAVFV[Phe576=]EYFSPVGYNR